The following is an entry in ClinVar:

ClinVar aggregate classification (germline): Uncertain significance (1 of 4 stars; one submission).

Conditions:
Epilepsy, familial adult myoclonic, 5 (EPEO5). Also called: CORTICAL MYOCLONIC TREMOR WITH EPILEPSY, FAMILIAL, 5. Identifiers: Orphanet 86814, MedGen C3809374, MONDO:0014167, OMIM 615400.

Allele frequency attached by ClinVar (database versions not stated): gnomAD exomes below 0.00001.

Submission:

Labcorp Genetics (formerly Invitae), Labcorp
Classification: Uncertain significance for Epilepsy, familial adult myoclonic, 5. Last evaluated: 2020-06-04. Review status: criteria provided, single submitter. Criteria: Invitae Variant Classification Sherloc (09022015). Collection method: clinical testing. Allele origin: germline.
Comment: In summary, the available evidence is currently insufficient to determine the role of this variant in disease. Therefore, it has been classified as a Variant of Uncertain Significance. Algorithms developed to predict the effect of missense changes on protein structure and function (SIFT, PolyPhen-2, Align-GVGD) all suggest that this variant is likely to be disruptive, but these predictions have not been confirmed by published functional studies and their clinical significance is uncertain. This variant has not been reported in the literature in individuals with CNTN2-related conditions. This variant is not present in population databases (ExAC no frequency). This sequence change replaces proline with leucine at codon 989 of the CNTN2 protein (p.Pro989Leu). The proline residue is highly conserved and there is a moderate physicochemical difference between proline and leucine.

NM_005076.5(CNTN2):c.2966C>T (p.Pro989Leu)

Genes: CNTN2 (contactin 2; plus strand), LOC126805985 (MED14-independent group 3 enhancer GRCh37_chr1:205041546-205042745; plus strand). Cytogenetic location: 1q32.1.
Variant type: single nucleotide variant.
Coding change: c.2966C>T on transcript NM_005076.5 (MANE Select); coding-DNA position 2966, C replaced by T.
Protein change: p.Pro989Leu; replaces proline 989 with leucine.
Molecular consequence: missense variant. On other transcripts: non-coding transcript variant (1).
Genome position (GRCh38, 1-based): chr1:205,073,189, C>T. VCF-style: chr1-205073189-C-T. GRCh37 (hg19) VCF-style: chr1-205042317-C-T.
Other names: c.2966C>T, p.Pro989Leu (NM_001346083.2); short protein forms P989L.
Identifiers: ClinVar variation 1056235 (VCV001056235.9), dbSNP rs1193731341, ClinGen allele CA344383561.